The following is an entry in ClinVar:

ClinVar aggregate classification (germline): Uncertain significance (1 of 4 stars; one submission).

Allele frequency attached by ClinVar (database versions not stated): TOPMed 0.00002; ESP Exome Variant Server 0.00008.
gnomAD v4.1: 4 of 1,613,802 alleles (0.00025%); highest among the groups gnomAD compares: African/African-American, 0.004%; no homozygotes.

Submission:

Labcorp Genetics (formerly Invitae), Labcorp
Classification: Uncertain significance. Last evaluated: 2023-10-03. Review status: criteria provided, single submitter. Criteria: Invitae Variant Classification Sherloc (09022015). Collection method: clinical testing. Allele origin: germline.
Comment: This sequence change replaces aspartic acid, which is acidic and polar, with histidine, which is basic and polar, at codon 355 of the VCAN protein (p.Asp355His). This variant is present in population databases (rs143128206, gnomAD 0.007%). This variant has not been reported in the literature in individuals affected with VCAN-related conditions. ClinVar contains an entry for this variant (Variation ID: 852449). An algorithm developed to predict the effect of missense changes on protein structure and function (PolyPhen-2) suggests that this variant is likely to be disruptive. In summary, the available evidence is currently insufficient to determine the role of this variant in disease. Therefore, it has been classified as a Variant of Uncertain Significance.

NM_004385.5(VCAN):c.1063G>C (p.Asp355His)

Gene: VCAN (versican; plus strand). Cytogenetic location: 5q14.3.
Variant type: single nucleotide variant.
Coding change: c.1063G>C on transcript NM_004385.5 (MANE Select); coding-DNA position 1063, G replaced by C.
Protein change: p.Asp355His; replaces aspartic acid 355 with histidine.
Molecular consequence: missense variant. On other transcripts: intron variant (2).
Genome position (GRCh38, 1-based): chr5:83,519,369, G>C. VCF-style: chr5-83519369-G-C. GRCh37 (hg19) VCF-style: chr5-82815188-G-C.
Other names: c.1063G>C, p.Asp355His (NM_001164098.2); c.1042+6973G>C (NM_001164097.2, NM_001126336.3); short protein forms D355H.
Identifiers: ClinVar variation 852449 (VCV000852449.7), dbSNP rs143128206, ClinGen allele CA3332605.